The following is an entry in ClinVar:

NM_014974.3(DIP2C):c.3822A>G (p.Ala1274=)

Gene: DIP2C (DIP2 acetate--CoA ligase C (putative); minus strand). Cytogenetic location: 10p15.3.
Variant type: single nucleotide variant.
Coding change: c.3822A>G on transcript NM_014974.3 (MANE Select); coding-DNA position 3822, A replaced by G.
Protein change: p.Ala1274=; no amino-acid change (alanine 1274 retained).
Molecular consequence: synonymous variant.
Genome position (GRCh38, 1-based): chr10:327,108, T>C on the plus strand (A>G on the coding strand, the complement: DIP2C is on the minus strand). VCF-style: chr10-327108-T-C. GRCh37 (hg19) VCF-style: chr10-373048-T-C.
Other names: c.3822A>G (NM_014974.2).
Identifiers: ClinVar variation 1673071 (VCV001673071.11), dbSNP rs2288681, ClinGen allele CA5379778.

ClinVar aggregate classification (germline): Benign. Review status: criteria provided, multiple submitters, no conflicts (2 of 4 stars). 3 submissions from 3 submitters: Benign (2). 1 of the submissions does not count toward it. Last evaluated 2026-02-01.

Conditions:
DIP2C-related disorder. Also called: DIP2C-related condition.

Allele frequency attached by ClinVar (database versions not stated): gnomAD exomes 0.08214; 1000 Genomes Project 30x 0.15178; ESP Exome Variant Server 0.08673; ExAC 0.08643; gnomAD 0.09224 and 0.09500; TOPMed 0.09698; 1000 Genomes Project 0.15136.
gnomAD v4.1: 112,084 of 1,613,942 alleles (6.9%); highest among the groups gnomAD compares: East Asian, 19%; 5,240 homozygotes.

Submissions (3):

Labcorp Genetics (formerly Invitae), Labcorp
Classification: Benign. Last evaluated: 2026-02-01. Review status: criteria provided, single submitter. Criteria: Invitae Variant Classification Sherloc (09022015). Collection method: clinical testing. Allele origin: germline.

Breakthrough Genomics
Classification: Benign. Review status: criteria provided, single submitter. Criteria: ACMG Guidelines, 2015. Collection method: not provided. Allele origin: germline. Inheritance: Unknown mechanism. Affected: yes.

PreventionGenetics, part of Exact Sciences
Classification: Benign for DIP2C-related condition. Last evaluated: 2019-11-18. Review status: no assertion criteria provided. Collection method: clinical testing. Allele origin: germline. Not counted in ClinVar's aggregate classification.
Comment: This variant is classified as benign based on ACMG/AMP sequence variant interpretation guidelines (Richards et al. 2015 PMID: 25741868, with internal and published modifications).